The following is an entry in ClinVar:

ClinVar aggregate classification (germline): Uncertain significance. Review status: criteria provided, multiple submitters, no conflicts (2 of 4 stars). 6 submissions from 6 submitters: Uncertain significance (6). Last evaluated 2025-04-08.

Conditions:
Cardiovascular phenotype. Identifiers: MedGen CN230736.
Cardiomyopathy (CMYO). Also called: Cardiomyopathies. Identifiers: Orphanet 167848, MedGen C0878544, MONDO:0004994, HP:0001638. Inheritance: Various modes of inheritance.
Lethal congenital glycogen storage disease of heart. Also called: GLYCOGEN STORAGE DISEASE OF HEART; PHOSPHORYLASE KINASE DEFICIENCY OF HEART. Identifiers: Orphanet 439854, MedGen C1849813, MONDO:0009867, OMIM 261740.
Hypertrophic cardiomyopathy. Also called: HYPERTROPHIC MYOCARDIOPATHY. Identifiers: Orphanet 217569, MedGen C0007194, MeSH D002312, MONDO:0005045, HP:0001639.

Allele frequency attached by ClinVar (database versions not stated): ExAC 0.00001; gnomAD exomes 0.00001 and 0.00002.
gnomAD v4.1: 32 of 1,614,106 alleles (0.002%); highest among the groups gnomAD compares: Non-Finnish European, 0.0025%; no homozygotes.

Submissions (6):

Molecular Diagnostic Laboratory for Inherited Cardiovascular Disease, Montreal Heart Institute
Classification: Uncertain significance for Cardiovascular phenotype. Last evaluated: 2025-04-08. Review status: criteria provided, single submitter. Criteria: ACMG Guidelines, 2015. Collection method: clinical testing. Allele origin: germline. Affected: yes.
Comment: PVS1_mod, BS1

Labcorp Genetics (formerly Invitae), Labcorp
Classification: Uncertain significance for Lethal congenital glycogen storage disease of heart. Last evaluated: 2024-06-16. Review status: criteria provided, single submitter. Criteria: Invitae Variant Classification Sherloc (09022015). Collection method: clinical testing. Allele origin: germline.
Comment: This sequence change creates a premature translational stop signal (p.Gln563*) in the PRKAG2 gene. While this is not anticipated to result in nonsense mediated decay, it is expected to disrupt the last 7 amino acid(s) of the PRKAG2 protein. This variant is present in population databases (rs397517267, gnomAD 0.002%). This premature translational stop signal has been observed in individual(s) with hypertrophic cardiomyopathy (PMID: 27532257; Invitae). ClinVar contains an entry for this variant (Variation ID: 45705). Experimental studies and prediction algorithms are not available or were not evaluated, and the functional significance of this variant is currently unknown. In summary, the available evidence is currently insufficient to determine the role of this variant in disease. Therefore, it has been classified as a Variant of Uncertain Significance.

All of Us Research Program, National Institutes of Health
Classification: Uncertain significance for Hypertrophic cardiomyopathy. Last evaluated: 2024-02-05. Review status: criteria provided, single submitter. Criteria: ACMG Guidelines, 2015. Collection method: clinical testing. Allele origin: germline. Inheritance: Autosomal dominant inheritance. Observed: 3 variant alleles, 3 heterozygotes.
Comment: This variant changes 1 nucleotide in exon 16 of the PRKAG2 gene, creating a premature translation stop signal in the last exon. The mutant transcript is expected to escape nonsense-mediated decay and be expressed as a truncated protein. To our knowledge, functional studies have not been reported for this variant. This variant has been reported in an individual affected with hypertrophic cardiomyopathy (PMID: 27532257). This variant has been identified in 2/249374 chromosomes in the general population by the Genome Aggregation Database (gnomAD). The available evidence is insufficient to determine the role of this variant in disease conclusively. Therefore, this variant is classified as a Variant of Uncertain Significance.

This study involves interpretation of variants in research participants for the purpose of population health screening. Participant phenotype was not available at the time of variant classification. Additional details can be found in publication PMID: 35346344, PMCID: PMC8962531

Color Diagnostics, LLC DBA Color Health
Classification: Uncertain significance for Cardiomyopathy. Last evaluated: 2023-08-04. Review status: criteria provided, single submitter. Criteria: ACMG Guidelines, 2015. Collection method: clinical testing. Allele origin: germline.
Comment: This variant changes 1 nucleotide in exon 16 of the PRKAG2 gene, creating a premature translation stop signal in the last exon. The mutant transcript is expected to escape nonsense-mediated decay and be expressed as a truncated protein. To our knowledge, functional studies have not been reported for this variant. This variant has been reported in an individual affected with hypertrophic cardiomyopathy (PMID: 27532257). This variant has been identified in 2/249374 chromosomes in the general population by the Genome Aggregation Database (gnomAD). The available evidence is insufficient to determine the role of this variant in disease conclusively. Therefore, this variant is classified as a Variant of Uncertain Significance.

Blueprint Genetics
Classification: Uncertain significance. Last evaluated: 2021-04-15. Review status: criteria provided, single submitter. Criteria: ACMG Guidelines, 2015. Collection method: clinical testing. Allele origin: germline.

Laboratory for Molecular Medicine, Mass General Brigham Personalized Medicine
Classification: Uncertain significance. Last evaluated: 2013-09-26. Review status: criteria provided, single submitter. Criteria: LMM Criteria. Collection method: clinical testing. Allele origin: germline. Observed: 2 variant alleles.
Comment: It was not identified in large population studies. This nonsense variant leads to a premature termina tion codon at position 563 and is predicted to lead to a truncated protein, resu lting in the loss of the last 7 amino acids. However, it is unclear whether the variant would impact the protein function. In summary, additional information is needed to fully assess the clinical significance of this variant.

Literature cited by the submitters: PubMed 27532257 (cited by 3 submitters).

NM_016203.4(PRKAG2):c.1687C>T (p.Gln563Ter)

Gene: PRKAG2 (protein kinase AMP-activated non-catalytic subunit gamma 2; minus strand). Cytogenetic location: 7q36.1.
Variant type: single nucleotide variant.
Coding change: c.1687C>T on transcript NM_016203.4 (MANE Select); coding-DNA position 1687, C replaced by T.
Protein change: p.Gln563Ter; replaces glutamine 563 with a stop codon.
Molecular consequence: nonsense.
Genome position (GRCh38, 1-based): chr7:151,557,224, G>A on the plus strand (C>T on the coding strand, the complement: PRKAG2 is on the minus strand). VCF-style: chr7-151557224-G-A. GRCh37 (hg19) VCF-style: chr7-151254310-G-A.
Other names: c.1555C>T, p.Gln519Ter (NM_001040633.2); c.1312C>T, p.Gln438Ter (NM_001304527.2); c.964C>T, p.Gln322Ter (NM_001304531.2, NM_024429.2); c.1315C>T, p.Gln439Ter (NM_001363698.2); short protein forms Q563*, Q438*, Q439*, Q519*, Q322*.
Identifiers: ClinVar variation 45705 (VCV000045705.19), dbSNP rs397517267, ClinGen allele CA013973.
Genomic context (GRCh38, chr7:151,557,224, plus strand): 5'-TCAAGTTCTCCTCCTAGGGCGTCTACATTCACGGCGGTCACTCCGTTTCTGTCTCCTTTT[G>A]TTTGGCACCTGTCAGTGGATGGAAGATGAAAGTTTCAAAGCTCATGGTAACAGCAGGGTT-3'